The following is an entry in ClinVar:

ClinVar aggregate classification (germline): Uncertain significance (1 of 4 stars; one submission).

Conditions:
Familial thoracic aortic aneurysm and aortic dissection (TAAD). Also called: Thoracic aortic aneurysms and dissections. Identifiers: Orphanet 91387, MedGen C4707243, MONDO:0019625.

Submission:

Labcorp Genetics (formerly Invitae), Labcorp
Classification: Uncertain significance for Familial thoracic aortic aneurysm and aortic dissection. Last evaluated: 2022-03-02. Review status: criteria provided, single submitter. Criteria: Invitae Variant Classification Sherloc (09022015). Collection method: clinical testing. Allele origin: germline.
Comment: In summary, the available evidence is currently insufficient to determine the role of this variant in disease. Therefore, it has been classified as a Variant of Uncertain Significance. Advanced modeling of protein sequence and biophysical properties (such as structural, functional, and spatial information, amino acid conservation, physicochemical variation, residue mobility, and thermodynamic stability) performed at Invitae indicates that this missense variant is not expected to disrupt TGFBR2 protein function. This variant has not been reported in the literature in individuals affected with TGFBR2-related conditions. This variant is not present in population databases (gnomAD no frequency). This sequence change replaces alanine, which is neutral and non-polar, with valine, which is neutral and non-polar, at codon 179 of the TGFBR2 protein (p.Ala179Val).

NM_003242.6(TGFBR2):c.536C>T (p.Ala179Val)

Gene: TGFBR2 (transforming growth factor beta receptor 2; plus strand). Cytogenetic location: 3p24.1.
Variant type: single nucleotide variant.
Coding change: c.536C>T on transcript NM_003242.6 (MANE Select); coding-DNA position 536, C replaced by T.
Protein change: p.Ala179Val; replaces alanine 179 with valine.
Molecular consequence: missense variant.
Genome position (GRCh38, 1-based): chr3:30,671,719, C>T. VCF-style: chr3-30671719-C-T. GRCh37 (hg19) VCF-style: chr3-30713211-C-T.
Other names: c.611C>T, p.Ala204Val (NM_001024847.3); c.719C>T, p.Ala240Val (NM_001407126.1); c.644C>T, p.Ala215Val (NM_001407127.1); c.563C>T, p.Ala188Val (NM_001407128.1); c.539C>T, p.Ala180Val (NM_001407129.1); c.536C>T, p.Ala179Val (NM_001407130.1); c.431C>T, p.Ala144Val (NM_001407132.1, NM_001407133.1, NM_001407134.1 and 2 more transcripts); c.251C>T, p.Ala84Val (NM_001407137.1); and 1 more; short protein forms A215V, A144V, A179V, A188V, A84V, A180V, A204V, A240V.
Identifiers: ClinVar variation 2105600 (VCV002105600.4), dbSNP rs2125433444, ClinGen allele CA351807319.
Genomic context (GRCh38, chr3:30,671,719, plus strand): 5'-ACTTGTTGCTAGTCATATTTCAAGTGACAGGCATCAGCCTCCTGCCACCACTGGGAGTTG[C>T]CATATCTGTCATCATCATCTTCTACTGCTACCGCGTTAACCGGCAGCAGAAGCTGAGTTC-3'
Protein context (NP_003233.4, residues 169-189): GISLLPPLGV[Ala179Val]ISVIIIFYCY